The following is an entry in ClinVar:

NM_000518.5(HBB):c.138del (p.Phe46fs)

Genes: HBB (hemoglobin subunit beta; minus strand), LOC106099062 (HBB recombination region; plus strand), LOC107133510 (origin of replication at HBB; plus strand). Cytogenetic location: 11p15.4.
Variant type: Deletion.
Coding change: c.138del on transcript NM_000518.5 (MANE Select); coding-DNA position 138, one base deleted (T; older notation c.138delT).
Protein change: p.Phe46fs; shifts the reading frame from phenylalanine 46.
Molecular consequence: frameshift variant.
Genome position (GRCh38, 1-based): chr11:5,226,754, A deleted on the plus strand (T on the coding strand, the reverse complement: HBB is on the minus strand); the first of 3 consecutive A bases (chr11:5,226,754-5,226,756); deleting any one gives the same sequence. VCF-style (leftmost placement, unchanged base first): chr11-5226753-CA-C. GRCh37 (hg19) VCF-style: chr11-5247983-CA-C.
Other names: CD 45 (-T); c.138delT (NM_000518.5); short protein forms F46fs.
Identifiers: ClinVar variation 869338 (VCV000869338.6), dbSNP rs35133315, ClinGen allele CA217114418.

ClinVar aggregate classification (germline): Pathogenic. Review status: criteria provided, multiple submitters, no conflicts (2 of 4 stars). 4 submissions from 4 submitters: Pathogenic (2). 2 of the submissions do not count toward it. Last evaluated 2022-01-03.

Conditions:
Hemoglobinopathy. Also called: Hemoglobin disorder; Haemoglobinopathies. Identifiers: MedGen C0019045, MONDO:0044348.
beta Thalassemia (BTHAL). Also called: Cooley's anemia; Erythroblastic anemia; Mediterranean anemia. Identifiers: Orphanet 848, MedGen C0005283, MONDO:0019402. Disease mechanism: loss of function.
Beta-thalassemia HBB/LCRB. Identifiers: MedGen CN322236, MONDO:0013517, OMIM 613985.
Dominant beta-thalassemia. Also called: Beta-thalassemia, dominant inclusion body type. Identifiers: Orphanet 231226, Orphanet 848, MedGen C1858990, MONDO:0011381, OMIM 603902.

Submissions (4):

3billion
Classification: Pathogenic for Dominant beta-thalassemia. Last evaluated: 2022-01-03. Review status: criteria provided, single submitter. Criteria: ACMG Guidelines, 2015. Collection method: clinical testing. Allele origin: germline. Affected: yes. Observed: 1 heterozygote.
Comment: Frameshift: predicted to result in a loss or disruption of normal protein function through nonsense-mediated decay (NMD) or protein truncation. Multiple pathogenic variants are reported downstream of the variant (PVS1_VS). It is not observed in the gnomAD v2.1.1 dataset (PM2_M). The variant has been reported to be associated with HBB related disorder (ClinVar ID: VCV000869338, PMID:9415845).Therefore, this variant is classified as pathogenic according to the recommendation of ACMG/AMP guideline.

Women's Health and Genetics/Laboratory Corporation of America, LabCorp
Classification: Pathogenic for Hemoglobinopathy. Last evaluated: 2021-05-17. Review status: criteria provided, single submitter. Criteria: LabCorp Variant Classification Summary - May 2015. Collection method: clinical testing. Allele origin: germline.
Comment: Variant summary: HBB c.138delT (p.Phe46LeufsX16) results in a premature termination codon, predicted to cause a truncation of the encoded protein or absence of the protein due to nonsense mediated decay, which are commonly known mechanisms for disease. Truncations downstream of this position have been classified as pathogenic by our laboratory. The variant was absent in 251414 control chromosomes. c.138delT has been reported in the literature in individuals affected with Hemoglobinopathy (El-Kalla_1997). These data indicate that the variant may be associated with disease. To our knowledge, no experimental evidence demonstrating an impact on protein function has been reported. One clinical diagnostic laboratory has submitted clinical-significance assessments for this variant to ClinVar after 2014 without evidence for independent evaluation and classified the variant as pathogenic. Based on the evidence outlined above, the variant was classified as pathogenic.

MOLECULAR BIOLOGY AND HUMAN GENETICS DIVISION, THE UNIVERSITY OF BURDWAN
Classification: Pathogenic for Beta-thalassemia HBB/LCRB. Last evaluated: 2024-05-07. Review status: no assertion criteria provided. Collection method: clinical testing. Allele origin: germline. Affected: yes. Observed: 1 variant allele. Not counted in ClinVar's aggregate classification.
Comment: HBB c.138delT (NP_000509.1:p.Phe46fs) is a beta 0 mutation, This is a frameshfit type of varaint . When this variant present with other pathogenic HBB mutation leads to severe type of thalassemia. Patients needing monthly transfusion, often presented with hepatosplenomegaly, Iron overload. The frequency of the variant among thalassemia patient in Eastern India is 0.09 % as per our multicentric project - A Genetic Diagnostic Algorithm Based Study for Thalassemia in Northern and Eastern Indian Populations, Funded by Dept. of Biotechnology , Govt of India [Project No. BT/PR26461/MED/12/821/2018]

The ITHANET community portal, The Cyprus Institute of Neurology and Genetics
Classification: Pathogenic for beta Thalassemia. Last evaluated: 2019-11-25. Review status: no assertion criteria provided. Collection method: curation. Allele origin: germline. Not counted in ClinVar's aggregate classification.

Literature cited by the submitters: PubMed 9415845 (cited by 4 submitters); PubMed 28670940 (cited by The ITHANET community portal, The Cyprus Institute of Neurology and Genetics).